The following is an entry in ClinVar:

NM_000179.3(MSH6):c.615AGA[1] (p.Glu207del)

Gene: MSH6 (mutS homolog 6; plus strand). Cytogenetic location: 2p16.3.
Variant type: Microsatellite.
Coding change: c.615AGA[1] on transcript NM_000179.3 (MANE Select); one copy of the 3-base unit AGA starting at c.615; the reference has two copies in a row; one copy, 3 bases deleted.
Protein change: p.Glu207del; deletes glutamic acid 207.
Molecular consequence: inframe deletion. On other transcripts: frameshift variant (31), 5 prime UTR variant (1), intron variant (2).
Genome position (GRCh38, 1-based): chr2:47,796,054-47,796,056, AGA deleted; deleting any 3 consecutive bases within chr2:47,796,049-47,796,056 gives the same sequence; the position shown is the placement nearest the transcript's 3' end. VCF-style (leftmost placement, unchanged base first): chr2-47796048-GGAA-G. GRCh37 (hg19) VCF-style: chr2-48023187-GGAA-G.
Other names: c.618_620delAGA (NM_000179.2); c.615_617AGA[1], p.Glu206Aspfs (NM_000179.2, NM_001406796.1, NM_001406798.1 and 6 more transcripts); c.-288AGA[1] (NM_001281494.2); c.711_713AGA[1], p.Glu238Aspfs (NM_001406795.1, NM_001406802.1); c.318_320AGA[1], p.Glu107Aspfs (NM_001406797.1, NM_001406801.1, NM_001406805.1 and 10 more transcripts); c.90_92AGA[1], p.Glu31Aspfs (NM_001406799.1, NM_001406806.1, NM_001406807.1); c.537_539AGA[1], p.Glu180Aspfs (NM_001406804.1); c.621_623AGA[1], p.Glu208Aspfs (NM_001406813.1); and 4 more; short protein forms E207del.
Identifiers: ClinVar variation 1752067 (VCV001752067.2), dbSNP rs2530524024, ClinGen allele CA2580611295.

ClinVar aggregate classification (germline): Uncertain significance (1 of 4 stars; one submission).

Conditions:
Hereditary cancer-predisposing syndrome. Also called: Hereditary Cancer Syndrome; Hereditary neoplastic syndrome; Neoplastic Syndromes, Hereditary; Tumor predisposition. Identifiers: Orphanet 140162, MedGen C0027672, MeSH D009386, MONDO:0015356.

Submission:

Ambry Genetics
Classification: Uncertain significance for Hereditary cancer-predisposing syndrome. Last evaluated: 2024-02-16. Review status: criteria provided, single submitter. Criteria: Ambry Variant Classification Scheme 2023. Collection method: clinical testing. Allele origin: germline.
Comment: The c.618_620delAGA variant (also known as p.E207del) is located in coding exon 3 of the MSH6 gene. This variant results from an in-frame AGA deletion at nucleotide positions 618 to 620. This results in the in-frame deletion of a glutamic acid at codon 207. This amino acid position is highly conserved in available vertebrate species. In addition, this alteration is predicted to be neutral by in silico analysis (Choi Y et al. PLoS ONE. 2012; 7(10):e46688). Based on the available evidence, the clinical significance of this alteration remains unclear.